The following is an entry in ClinVar:

NM_001377229.1(DISP1):c.3206A>G (p.Glu1069Gly)

Gene: DISP1 (dispatched RND transporter family member 1; plus strand). Cytogenetic location: 1q41.
Variant type: single nucleotide variant.
Coding change: c.3206A>G on transcript NM_001377229.1 (MANE Select); coding-DNA position 3206, A replaced by G.
Protein change: p.Glu1069Gly; replaces glutamic acid 1069 with glycine.
Molecular consequence: missense variant.
Genome position (GRCh38, 1-based): chr1:223,004,603, A>G. VCF-style: chr1-223004603-A-G. GRCh37 (hg19) VCF-style: chr1-223177945-A-G.
Other names: c.2477A>G, p.Glu826Gly (NM_001350630.2); c.3206A>G, p.Glu1069Gly (NM_001369594.1, NM_001377228.1, NM_032890.5); short protein forms E1069G, E826G.
Identifiers: ClinVar variation 421540 (VCV000421540.2), dbSNP rs1064795201, ClinGen allele CA16617075.
Genomic context (GRCh38, chr1:223,004,603, plus strand): 5'-CTGTAGACTTTGCCGTCCATTATGGGGTTGCCTACCGCTTGGCTCCAGATCCCGACCGAG[A>G]AGGCAAAGTGATCTTCTCTCTGAGTCGCGTGGGCTCTGCGATGGCCATGGCTGCCCTGAC-3'
Protein context (NP_001364158.1, residues 1059-1079): AYRLAPDPDR[Glu1069Gly]GKVIFSLSRV

ClinVar aggregate classification (germline): Uncertain significance (1 of 4 stars; one submission).

Allele frequency attached by ClinVar (database versions not stated): gnomAD 0.00001; gnomAD exomes 0.00001.
gnomAD v4.1: 15 of 1,613,884 alleles (0.00093%); highest among the groups gnomAD compares: Middle Eastern, 0.049%; no homozygotes.

Submission:

GeneDx
Classification: Uncertain significance. Last evaluated: 2016-06-22. Review status: criteria provided, single submitter. Criteria: GeneDx Variant Classification (06012015). Collection method: clinical testing. Allele origin: germline. Affected: yes.
Comment: The E1069G variant in the DISP1 gene has not been reported previously as a pathogenic variant, nor as a benign variant, to our knowledge. The E1069G variant was not observed in approximately 6500 individuals of European and African American ancestry in the NHLBI Exome Sequencing Project, indicating it is not a common benign variant in these populations. The E1069G variant is a non-conservative amino acid substitution, which is likely to impact secondary protein structure as these residues differ in polarity, charge, size and/or other properties. This substitution occurs at a position that is conserved in mammals. In silico analysis is inconsistent in its predictions as to whether or not the variant is damaging to the protein structure/function. We interpret E1069G as a variant of uncertain significance.